The following is an entry in ClinVar:

ClinVar aggregate classification (germline): Uncertain significance (1 of 4 stars; one submission).

Conditions:
Developmental and epileptic encephalopathy, 23 (DEE23). Also called: Epileptic encephalopathy, early infantile, 23. Identifiers: Orphanet 411986, MedGen C4014492, MONDO:0014371, OMIM 615859.

Allele frequency attached by ClinVar (database versions not stated): gnomAD exomes below 0.00001; gnomAD 0.00001; TOPMed 0.00001.
gnomAD v4.1: 3 of 1,611,810 alleles (0.00019%); highest among the groups gnomAD compares: Admixed American, 0.0017%; no homozygotes.

Submission:

Labcorp Genetics (formerly Invitae), Labcorp
Classification: Uncertain significance for Developmental and epileptic encephalopathy, 23. Last evaluated: 2019-11-03. Review status: criteria provided, single submitter. Criteria: Invitae Variant Classification Sherloc (09022015). Collection method: clinical testing. Allele origin: germline.
Comment: This sequence change replaces histidine with arginine at codon 45 of the DOCK7 protein (p.His45Arg). The histidine residue is weakly conserved and there is a small physicochemical difference between histidine and arginine. This variant is not present in population databases (ExAC no frequency). In summary, the available evidence is currently insufficient to determine the role of this variant in disease. Therefore, it has been classified as a Variant of Uncertain Significance. Algorithms developed to predict the effect of missense changes on protein structure and function (SIFT, PolyPhen-2, Align-GVGD) all suggest that this variant is likely to be tolerated, but these predictions have not been confirmed by published functional studies and their clinical significance is uncertain. This variant has not been reported in the literature in individuals with DOCK7-related conditions.

NM_001367561.1(DOCK7):c.134A>G (p.His45Arg)

Gene: DOCK7 (dedicator of cytokinesis 7; minus strand). Cytogenetic location: 1p31.3.
Variant type: single nucleotide variant.
Coding change: c.134A>G on transcript NM_001367561.1 (MANE Select); coding-DNA position 134, A replaced by G.
Protein change: p.His45Arg; replaces histidine 45 with arginine.
Molecular consequence: missense variant.
Genome position (GRCh38, 1-based): chr1:62,663,035, T>C on the plus strand (A>G on the coding strand, the complement: DOCK7 is on the minus strand). VCF-style: chr1-62663035-T-C. GRCh37 (hg19) VCF-style: chr1-63128706-T-C.
Other names: c.134A>G, p.His45Arg (NM_001271999.2, NM_001272000.2, NM_001272001.2 and 3 more transcripts); short protein forms H45R.
Identifiers: ClinVar variation 970290 (VCV000970290.10), dbSNP rs1370309916, ClinGen allele CA340707753.